The following is an entry in ClinVar:

ClinVar aggregate classification (germline): Uncertain significance (1 of 4 stars; one submission).

Allele frequency attached by ClinVar (database versions not stated): gnomAD exomes below 0.00001.
gnomAD v4.1: 8 of 1,613,342 alleles (0.0005%); highest among the groups gnomAD compares: African/African-American, 0.0067%; no homozygotes.

Submission:

Labcorp Genetics (formerly Invitae), Labcorp
Classification: Uncertain significance. Last evaluated: 2025-02-10. Review status: criteria provided, single submitter. Criteria: Invitae Variant Classification Sherloc (09022015). Collection method: clinical testing. Allele origin: germline.
Comment: This sequence change replaces aspartic acid, which is acidic and polar, with glycine, which is neutral and non-polar, at codon 629 of the LIFR protein (p.Asp629Gly). This variant is not present in population databases (gnomAD no frequency). This variant has not been reported in the literature in individuals affected with LIFR-related conditions. ClinVar contains an entry for this variant (Variation ID: 1427441). An algorithm developed to predict the effect of missense changes on protein structure and function (PolyPhen-2) suggests that this variant is likely to be tolerated. In summary, the available evidence is currently insufficient to determine the role of this variant in disease. Therefore, it has been classified as a Variant of Uncertain Significance.

NM_001127671.2(LIFR):c.1886A>G (p.Asp629Gly)

Gene: LIFR (LIF receptor subunit alpha; minus strand). Cytogenetic location: 5p13.1.
Variant type: single nucleotide variant.
Coding change: c.1886A>G on transcript NM_001127671.2 (MANE Select); coding-DNA position 1886, A replaced by G.
Protein change: p.Asp629Gly; replaces aspartic acid 629 with glycine.
Molecular consequence: missense variant.
Genome position (GRCh38, 1-based): chr5:38,493,785, T>C on the plus strand (A>G on the coding strand, the complement: LIFR is on the minus strand). VCF-style: chr5-38493785-T-C. GRCh37 (hg19) VCF-style: chr5-38493887-T-C.
Other names: c.1886A>G, p.Asp629Gly (NM_001364297.2, NM_001364298.2, NM_002310.6); short protein forms D629G.
Identifiers: ClinVar variation 1427441 (VCV001427441.6), dbSNP rs372374955, ClinGen allele CA117148869.